The following is an entry in ClinVar:

NM_001267550.2(TTN):c.95654C>T (p.Ala31885Val)

Genes: TTN (titin; minus strand), TTN-AS1 (TTN antisense RNA 1; plus strand). Cytogenetic location: 2q31.2.
Variant type: single nucleotide variant.
Coding change: c.95654C>T on transcript NM_001267550.2 (MANE Select); coding-DNA position 95654, C replaced by T.
Protein change: p.Ala31885Val; replaces alanine 31885 with valine.
Molecular consequence: missense variant.
Genome position (GRCh38, 1-based): chr2:178,545,456, G>A on the plus strand (C>T on the coding strand, the complement: TTN is on the minus strand). VCF-style: chr2-178545456-G-A. GRCh37 (hg19) VCF-style: chr2-179410183-G-A.
Other names: c.69035C>T, p.Ala23012Val (NM_133437.4); c.90731C>T, p.Ala30244Val (NM_001256850.1); c.68459C>T, p.Ala22820Val (NM_003319.4); c.87950C>T, p.Ala29317Val (NM_133378.4); c.68834C>T, p.Ala22945Val (NM_133432.3); short protein forms A23012V, A30244V, A31885V, A22820V, A22945V, A29317V.
Identifiers: ClinVar variation 1755752 (VCV001755752.4), dbSNP rs1307812044, ClinGen allele CA349459555.

ClinVar aggregate classification (germline): Uncertain significance. Review status: criteria provided, multiple submitters, no conflicts (2 of 4 stars). 3 submissions from 3 submitters: Uncertain significance (3). Last evaluated 2026-09-23.

Conditions:
TTN-related disorder. Also called: TTN-related disorders; TTN-related condition; TTN-related disease.
Cardiovascular phenotype. Identifiers: MedGen CN230736.

Allele frequency attached by ClinVar (database versions not stated): gnomAD exomes below 0.00001; TOPMed below 0.00001; gnomAD 0.00001.
gnomAD v4.1: 10 of 1,611,606 alleles (0.00062%); highest among the groups gnomAD compares: Non-Finnish European, 0.00059%; no homozygotes.

Submissions (3):

PreventionGenetics, part of Exact Sciences
Classification: Uncertain significance for TTN-related condition. Last evaluated: 2026-09-23. Review status: criteria provided, single submitter. Criteria: ACMG Guidelines, 2015. Collection method: clinical testing. Allele origin: germline.
Comment: The TTN c.95654C>T variant is predicted to result in the amino acid substitution p.Ala31885Val. To our knowledge, this variant has not been reported in the literature or in a large population database (gnomAD), indicating this variant is rare. At this time, the clinical significance of this variant is uncertain due to the absence of conclusive functional and genetic evidence.

Women's Health and Genetics/Laboratory Corporation of America, LabCorp
Classification: Uncertain significance. Last evaluated: 2023-05-23. Review status: criteria provided, single submitter. Criteria: LabCorp Variant Classification Summary - May 2015. Collection method: clinical testing. Allele origin: germline.
Comment: Variant summary: TTN c.87950C>T (p.Ala29317Val) results in a non-conservative amino acid change located in the A-band region of the encoded protein sequence. Four of four in-silico tools predict a damaging effect of the variant on protein function. The variant was absent in 247500 control chromosomes (gnomAD). The available data on variant occurrences in the general population are insufficient to allow any conclusion about variant significance. To our knowledge, no occurrence of c.87950C>T in individuals affected with Dilated Cardiomyopathy and no experimental evidence demonstrating its impact on protein function have been reported. One clinical diagnostic laboratory has submitted a clinical-significance assessment for this variant to ClinVar after 2014 and classified the variant as uncertain significance. Based on the evidence outlined above, the variant was classified as uncertain significance.

Ambry Genetics
Classification: Uncertain significance for Cardiovascular phenotype. Last evaluated: 2020-06-04. Review status: criteria provided, single submitter. Criteria: Ambry Variant Classification Scheme 2023. Collection method: clinical testing. Allele origin: germline.
Comment: The p.A22820V variant (also known as c.68459C>T), located in coding exon 171 of the TTN gene, results from a C to T substitution at nucleotide position 68459. The alanine at codon 22820 is replaced by valine, an amino acid with similar properties. This amino acid position is highly conserved in available vertebrate species. In addition, the in silico prediction for this alteration is inconclusive. Since supporting evidence is limited at this time, the clinical significance of this alteration remains unclear.